The following is an entry in ClinVar:

NM_001170700.3(DTHD1):c.2625G>C (p.Lys875Asn)

Gene: DTHD1 (death domain containing 1; plus strand). Cytogenetic location: 4p14.
Variant type: single nucleotide variant.
Coding change: c.2625G>C on transcript NM_001170700.3 (MANE Select); coding-DNA position 2625, G replaced by C.
Protein change: p.Lys875Asn; replaces lysine 875 with asparagine.
Molecular consequence: missense variant. On other transcripts: non-coding transcript variant (2).
Genome position (GRCh38, 1-based): chr4:36,343,728, G>C. VCF-style: chr4-36343728-G-C. GRCh37 (hg19) VCF-style: chr4-36345350-G-C.
Other names: c.1755G>C, p.Lys585Asn (NM_001136536.5); c.1634G>C, p.Arg545Thr (NM_001378435.1); short protein forms K875N, K585N, R545T.
Identifiers: ClinVar variation 1953360 (VCV001953360.5), dbSNP rs2529892775, ClinGen allele CA356682500.
Genomic context (GRCh38, chr4:36,343,728, plus strand): 5'-GAAAAAATCGCTTCCAACTTTCACCGACAAACTTCGCCTCCTGGCTCGACATCTCCGCAA[G>C]ATTGGCAGGAGTGATCTTGCAGAAGAGCTCAAATTCAAGTGGGAAAATAAAGTGTTCACT-3'
Protein context (NP_001164171.2, residues 865-885): KLRLLARHLR[Lys875Asn]IGRSDLAEEL

ClinVar aggregate classification (germline): Uncertain significance (1 of 4 stars; one submission).

Submission:

Labcorp Genetics (formerly Invitae), Labcorp
Classification: Uncertain significance. Last evaluated: 2022-06-23. Review status: criteria provided, single submitter. Criteria: Invitae Variant Classification Sherloc (09022015). Collection method: clinical testing. Allele origin: germline.
Comment: This sequence change replaces lysine, which is basic and polar, with asparagine, which is neutral and polar, at codon 585 of the DTHD1 protein (p.Lys585Asn). This variant has not been reported in the literature in individuals affected with DTHD1-related conditions. This variant is not present in population databases (gnomAD no frequency). In summary, the available evidence is currently insufficient to determine the role of this variant in disease. Therefore, it has been classified as a Variant of Uncertain Significance. Algorithms developed to predict the effect of missense changes on protein structure and function are either unavailable or do not agree on the potential impact of this missense change (SIFT: "Deleterious"; PolyPhen-2: "Possibly Damaging"; Align-GVGD: "Class C0").